The following is an entry in ClinVar:

ClinVar aggregate classification (germline): Uncertain significance. Review status: criteria provided, multiple submitters, no conflicts (2 of 4 stars). 2 submissions from 2 submitters: Uncertain significance (2). Last evaluated 2024-05-30.

Conditions:
Alzheimer disease. Also called: Alzheimer's disease; Presenile and senile dementia. Identifiers: Orphanet 1020, MedGen C0002395, MeSH D000544, MONDO:0004975, HP:0002511.

Allele frequency attached by ClinVar (database versions not stated): gnomAD 0.00005 and 0.00006; gnomAD exomes 0.00006 and 0.00009; TOPMed 0.00006; ExAC 0.00007.
gnomAD v4.1: 144 of 1,614,028 alleles (0.0089%); highest among the groups gnomAD compares: Non-Finnish European, 0.011%; 1 homozygote.

Submissions (2):

Women's Health and Genetics/Laboratory Corporation of America, LabCorp
Classification: Uncertain significance. Last evaluated: 2024-05-30. Review status: criteria provided, single submitter. Criteria: LabCorp Variant Classification Summary - May 2015. Collection method: clinical testing. Allele origin: germline.
Comment: Variant summary: APP c.1726G>A (p.Val576Ile) results in a conservative amino acid change in the encoded protein sequence. Three of five in-silico tools predict a benign effect of the variant on protein function. The variant allele was found at a frequency of 5.6e-05 in 251456 control chromosomes, predominantly at a frequency of 9.7e-05 within the Non-Finnish European subpopulation in the gnomAD database. This frequency is not significantly higher than estimated for a pathogenic variant in APP causing Cerebral Amyloid Angiopathy, APP-Related, allowing no conclusion about variant significance. c.1726G>A has been reported in the literature in two individuals affected with early-onset small vessel ischemic disease and Alzheimers Disease (Blumenau_2020, Rehker_2017). These report(s) do not provide unequivocal conclusions about association of the variant with Cerebral Amyloid Angiopathy, APP-Related. To our knowledge, no experimental evidence demonstrating an impact on protein function has been reported. The following publications have been ascertained in the context of this evaluation (PMID: 32345996, 28985224). ClinVar contains an entry for this variant (Variation ID: 836798). Based on the evidence outlined above, the variant was classified as uncertain significance.

Labcorp Genetics (formerly Invitae), Labcorp
Classification: Uncertain significance for Alzheimer disease. Last evaluated: 2022-02-04. Review status: criteria provided, single submitter. Criteria: Invitae Variant Classification Sherloc (09022015). Collection method: clinical testing. Allele origin: germline.
Comment: In summary, the available evidence is currently insufficient to determine the role of this variant in disease. Therefore, it has been classified as a Variant of Uncertain Significance. Algorithms developed to predict the effect of missense changes on protein structure and function (SIFT, PolyPhen-2, Align-GVGD) all suggest that this variant is likely to be tolerated. ClinVar contains an entry for this variant (Variation ID: 836798). This missense change has been observed in individual(s) with early-onset Alzheimer disease and/or small vessel ischemic disease (PMID: 32345996; Invitae). This variant is present in population databases (rs200769792, gnomAD 0.01%). This sequence change replaces valine, which is neutral and non-polar, with isoleucine, which is neutral and non-polar, at codon 576 of the APP protein (p.Val576Ile).

Literature cited by the submitters: PubMed 28985224 (cited by Women's Health and Genetics/Laboratory Corporation of America, LabCorp); PubMed 32345996 (cited by Women's Health and Genetics/Laboratory Corporation of America, LabCorp and Labcorp Genetics (formerly Invitae), Labcorp).

NM_000484.4(APP):c.1726G>A (p.Val576Ile)

Gene: APP (amyloid beta precursor protein; minus strand). Cytogenetic location: 21q21.3.
Variant type: single nucleotide variant.
Coding change: c.1726G>A on transcript NM_000484.4 (MANE Select); coding-DNA position 1726, G replaced by A.
Protein change: p.Val576Ile; replaces valine 576 with isoleucine.
Molecular consequence: missense variant.
Genome position (GRCh38, 1-based): chr21:25,911,924, C>T on the plus strand (G>A on the coding strand, the complement: APP is on the minus strand). VCF-style: chr21-25911924-C-T. GRCh37 (hg19) VCF-style: chr21-27284236-C-T.
Other names: c.1654G>A, p.Val552Ile (NM_001136016.3); c.1333G>A, p.Val445Ile (NM_001136129.3); c.1558G>A, p.Val520Ile (NM_001136130.3, NM_001385253.1); c.1396G>A, p.Val466Ile (NM_001136131.3); c.1726G>A, p.Val576Ile (NM_001204301.2); c.1669G>A, p.Val557Ile (NM_001204302.2, NM_201413.3); c.1501G>A, p.Val501Ile (NM_001204303.2, NM_201414.3); short protein forms V520I, V552I, V557I, V501I, V576I, V445I, V466I.
Identifiers: ClinVar variation 836798 (VCV000836798.11), dbSNP rs200769792, ClinGen allele CA9987211.
Genomic context (GRCh38, chr21:25,911,924, plus strand): 5'-ATGGCATGAGAGCATCGTTTCCGTAACTGATCCTTGGTTCACTAATCATGTTGGCCAAGA[C>T]GTCATCTGAATAGTTTTGCTCTTTCTGAAGCAGCTCATCTAAACCAAACAAAACCATCTC-3'
Protein context (NP_000475.1, residues 566-586): LQKEQNYSDD[Val576Ile]LANMISEPRI